The following is an entry in ClinVar:

ClinVar aggregate classification (germline): Likely pathogenic (1 of 4 stars; one submission).

Submission:

Labcorp Genetics (formerly Invitae), Labcorp
Classification: Likely pathogenic. Last evaluated: 2022-11-22. Review status: criteria provided, single submitter. Criteria: Invitae Variant Classification Sherloc (09022015). Collection method: clinical testing. Allele origin: germline.
Comment: In summary, the currently available evidence indicates that the variant is pathogenic, but additional data are needed to prove that conclusively. Therefore, this variant has been classified as Likely Pathogenic. This variant has not been reported in the literature in individuals affected with PCDH15-related conditions. This variant results in a copy number gain of the genomic region encompassing exon(s) 15-21 of the PCDH15 gene. While the exact position of this variant cannot be determined from the data, sub-genic copy number gains are generally in tandem (PMID: 25640679). This variant is predicted to be out-of-frame, and may result in an absent or disrupted protein product. Loss-of-function variants in PCDH15 are known to be pathogenic (PMID: 11398101, 11487575, 14570705).

Literature cited by the submitters: PubMed 25640679; PubMed 11398101; PubMed 11487575; PubMed 14570705.

NC_000010.10:g.(?_55755389)_(55892787_?)dup

Gene: PCDH15 (protocadherin related 15; minus strand). Cytogenetic location: 10q21.1.
Variant type: Duplication.
Identifiers: ClinVar variation 1345517 (VCV001345517.5).